The following is an entry in ClinVar:

ClinVar aggregate classification (germline): Uncertain significance (1 of 4 stars; one submission).

gnomAD v4.1: 1 of 918,963 alleles (0.00011%); highest among the groups gnomAD compares: African/African-American, 0.0025%; no homozygotes.

Submission:

GeneDx
Classification: Uncertain significance. Last evaluated: 2024-11-07. Review status: criteria provided, single submitter. Criteria: GeneDx Variant Classification Process June 2021. Collection method: clinical testing. Allele origin: germline. Affected: yes.
Comment: Not observed at significant frequency in large population cohorts (gnomAD); In silico analysis indicates that this missense variant does not alter protein structure/function; Has not been previously published as pathogenic or benign to our knowledge

NM_014927.5(CNKSR2):c.2704G>A (p.Glu902Lys)

Gene: CNKSR2 (connector enhancer of kinase suppressor of Ras 2; plus strand). Cytogenetic location: Xp22.12.
Variant type: single nucleotide variant.
Coding change: c.2704G>A on transcript NM_014927.5 (MANE Select); coding-DNA position 2704, G replaced by A.
Protein change: p.Glu902Lys; replaces glutamic acid 902 with lysine.
Molecular consequence: missense variant.
Genome position (GRCh38, 1-based): chrX:21,648,842, G>A. VCF-style: chrX-21648842-G-A. GRCh37 (hg19) VCF-style: chrX-21666960-G-A.
Other names: c.2614G>A, p.Glu872Lys (NM_001168647.3); c.2557G>A, p.Glu853Lys (NM_001330770.2); c.2467G>A, p.Glu823Lys (NM_001330772.2); short protein forms E823K, E853K, E872K, E902K.
Identifiers: ClinVar variation 3898922 (VCV003898922.1).